The following is an entry in ClinVar:

ClinVar aggregate classification (germline): Likely benign (1 of 4 stars; one submission).

Submission:

CeGaT Center for Human Genetics Tuebingen
Classification: Likely benign. Last evaluated: 2023-08-01. Review status: criteria provided, single submitter. Criteria: CeGaT Center For Human Genetics Tuebingen Variant Classification Criteria Version 2. Collection method: clinical testing. Allele origin: germline. Affected: yes. Observed: 1 variant allele.
Comment: KDM6B: PM2:Supporting, BP4, BP7

NM_001348716.2(KDM6B):c.1479A>C (p.Ala493=)

Gene: KDM6B (lysine demethylase 6B; plus strand). Cytogenetic location: 17p13.1.
Variant type: single nucleotide variant.
Coding change: c.1479A>C on transcript NM_001348716.2 (MANE Select); coding-DNA position 1479, A replaced by C.
Protein change: p.Ala493=; no amino-acid change (alanine 493 retained).
Molecular consequence: synonymous variant.
Genome position (GRCh38, 1-based): chr17:7,847,767, A>C. VCF-style: chr17-7847767-A-C. GRCh37 (hg19) VCF-style: chr17-7751085-A-C.
Other names: c.1479A>C, p.Ala493= (NM_001080424.2).
Identifiers: ClinVar variation 2647398 (VCV002647398.24), dbSNP rs2544525029, ClinGen allele CA497947117.
Genomic context (GRCh38, chr17:7,847,767, plus strand): 5'-TCCCCGCCTCTTACGCCCCCCACCACCCCCTGCCTGGTTGAAGGGTCCGGCCTGCCGGGC[A>C]GCCCGAGAGGATGGAGAGATCTTAGAAGAGCTCTTCTTTGGGACTGAGGGACCCCCCCGC-3'
Protein context (NP_001335645.1, residues 483-503): PAWLKGPACR[Ala493=]AREDGEILEE